The following is an entry in ClinVar:

NM_002397.5(MEF2C):c.541A>G (p.Ser181Gly)

Gene: MEF2C (myocyte enhancer factor 2C; minus strand). Cytogenetic location: 5q14.3.
Variant type: single nucleotide variant.
Coding change: c.541A>G on transcript NM_002397.5 (MANE Select); coding-DNA position 541, A replaced by G.
Protein change: p.Ser181Gly; replaces serine 181 with glycine.
Molecular consequence: missense variant.
Genome position (GRCh38, 1-based): chr5:88,751,905, T>C on the plus strand (A>G on the coding strand, the complement: MEF2C is on the minus strand). VCF-style: chr5-88751905-T-C. GRCh37 (hg19) VCF-style: chr5-88047722-T-C.
Other names: c.535A>G, p.Ser179Gly (NM_001131005.2, NM_001364352.2, NM_001364343.2); c.595A>G, p.Ser199Gly (NM_001193347.1, NM_001364338.2); c.397A>G, p.Ser133Gly (NM_001193348.1, NM_001193349.3, NM_001364332.2 and 3 more transcripts); c.541A>G, p.Ser181Gly (NM_001193350.2, NM_001308002.3, NM_001363581.2 and 18 more transcripts); c.163A>G, p.Ser55Gly (NM_001364353.2, NM_001364356.2); c.115A>G, p.Ser39Gly (NM_001364357.2); short protein forms S179G, S199G, S39G, S133G, S181G, S55G.
Identifiers: ClinVar variation 2003353 (VCV002003353.4), dbSNP rs2547866572, ClinGen allele CA360423759.
Genomic context (GRCh38, chr5:88,751,905, plus strand): 5'-ATGAGGACATACCTGTGTTACCTGCACTTGGAGGTCGATGTGTTACACCAGGAGACATAC[T>C]ATTCCTCTGCAGAGAAGGGTGAGCCAGTGGCAATAGGTTGGGGTTTCCCAGTGAGCTGAC-3'
Protein context (NP_002388.2, residues 171-191): PLAHPSLQRN[Ser181Gly]MSPGVTHRPP

ClinVar aggregate classification (germline): Uncertain significance (1 of 4 stars; one submission).

Conditions:
Neurodevelopmental disorder with hypotonia, stereotypic hand movements, and impaired language. Also called: Intellectual disability, autosomal dominant 20. Identifiers: Orphanet 228384, Orphanet 664410, MedGen C3150700, MONDO:0013266, OMIM 613443.

Submission:

Labcorp Genetics (formerly Invitae), Labcorp
Classification: Uncertain significance for Neurodevelopmental disorder with hypotonia, stereotypic hand movements, and impaired language. Last evaluated: 2022-06-15. Review status: criteria provided, single submitter. Criteria: Invitae Variant Classification Sherloc (09022015). Collection method: clinical testing. Allele origin: germline.
Comment: This sequence change replaces serine, which is neutral and polar, with glycine, which is neutral and non-polar, at codon 181 of the MEF2C protein (p.Ser181Gly). In summary, the available evidence is currently insufficient to determine the role of this variant in disease. Therefore, it has been classified as a Variant of Uncertain Significance. Algorithms developed to predict the effect of sequence changes on RNA splicing suggest that this variant may disrupt the consensus splice site. Algorithms developed to predict the effect of missense changes on protein structure and function are either unavailable or do not agree on the potential impact of this missense change (SIFT: "Deleterious"; PolyPhen-2: "Benign"; Align-GVGD: "Class C0"). This variant has not been reported in the literature in individuals affected with MEF2C-related conditions. This variant is not present in population databases (gnomAD no frequency).